The following is an entry in ClinVar:

NM_003482.4(KMT2D):c.12923C>T (p.Thr4308Ile)

Gene: KMT2D (lysine methyltransferase 2D; minus strand). Cytogenetic location: 12q13.12.
Variant type: single nucleotide variant.
Coding change: c.12923C>T on transcript NM_003482.4 (MANE Select); coding-DNA position 12923, C replaced by T.
Protein change: p.Thr4308Ile; replaces threonine 4308 with isoleucine.
Molecular consequence: missense variant.
Genome position (GRCh38, 1-based): chr12:49,031,782, G>A on the plus strand (C>T on the coding strand, the complement: KMT2D is on the minus strand). VCF-style: chr12-49031782-G-A. GRCh37 (hg19) VCF-style: chr12-49425565-G-A.
Other names: c.12923C>T (NM_003482.3); short protein forms T4308I.
Identifiers: ClinVar variation 1463167 (VCV001463167.10), dbSNP rs769751385, ClinGen allele CA6546103.
Genomic context (GRCh38, chr12:49,031,782, plus strand): 5'-GAGCTGGGGGAAGGTAATTGTGAAGGTCTCTTTGGCTCTTGAGGGCTGGATGGTGGAGGT[G>A]TGGGATGGACAGGGCCAAGGACTGGTCCTGTAGATAAGGCTCCTGGTGGGGCAGGGAGCC-3'
Protein context (NP_003473.3, residues 4298-4318): TGPVLGPVHP[Thr4308Ile]PPPSSPQEPK

ClinVar aggregate classification (germline): Conflicting classifications of pathogenicity. Review status: criteria provided, conflicting classifications (1 of 4 stars). 3 submissions from 3 submitters: Uncertain significance (2); Benign (1). Last evaluated 2025-10-28.

Conditions:
Kabuki syndrome 1 (KABUK1). Also called: KMT2D-Related Kabuki Syndrome. Identifiers: Orphanet 2322, MedGen CN030661, MONDO:0007843, OMIM 147920.
Choanal atresia-athelia-hypothyroidism-delayed puberty-short stature syndrome (BCAHH). Also called: BRANCHIAL ARCH ABNORMALITIES, CHOANAL ATRESIA, ATHELIA, HEARING LOSS, AND HYPOTHYROIDISM SYNDROME. Identifiers: Orphanet 589856, MedGen C5680310, MONDO:0035651, OMIM 620186.
KMT2D-related disorder. Also called: KMT2D-Related Disorders.
Kabuki syndrome. Also called: Kabuki make-up syndrome; NIIKAWA-KUROKI SYNDROME. Identifiers: Orphanet 2322, MedGen C0796004, MONDO:0016512.

Allele frequency attached by ClinVar (database versions not stated): ExAC 0.00001; gnomAD 0.00001; gnomAD exomes 0.00001.
gnomAD v4.1: 4 of 1,610,172 alleles (0.00025%); highest among the groups gnomAD compares: African/African-American, 0.004%; no homozygotes.

Submissions (3):

PreventionGenetics, part of Exact Sciences
Classification: Uncertain significance for KMT2D-related condition. Last evaluated: 2025-10-28. Review status: criteria provided, single submitter. Criteria: ACMG Guidelines, 2015. Collection method: clinical testing. Allele origin: germline.
Comment: The KMT2D c.12923C>T variant is predicted to result in the amino acid substitution p.Thr4308Ile. To our knowledge, this variant has not been reported in the literature. This variant is reported in 0.0065% of alleles in individuals of African descent in gnomAD. At this time, the clinical significance of this variant is uncertain due to the absence of conclusive functional and genetic evidence.

Fulgent Genetics
Classification: Uncertain significance for Kabuki syndrome 1; Choanal atresia-athelia-hypothyroidism-delayed puberty-short stature syndrome. Last evaluated: 2024-03-13. Review status: criteria provided, single submitter. Criteria: ACMG Guidelines, 2015. Collection method: clinical testing. Allele origin: germline.

Labcorp Genetics (formerly Invitae), Labcorp
Classification: Benign for Kabuki syndrome. Last evaluated: 2022-12-06. Review status: criteria provided, single submitter. Criteria: Invitae Variant Classification Sherloc (09022015). Collection method: clinical testing. Allele origin: germline.